The following is an entry in ClinVar:

NM_004431.5(EPHA2):c.2723C>T (p.Thr908Met)

Gene: EPHA2 (EPH receptor A2; minus strand). Cytogenetic location: 1p36.13.
Variant type: single nucleotide variant.
Coding change: c.2723C>T on transcript NM_004431.5 (MANE Select); coding-DNA position 2723, C replaced by T.
Protein change: p.Thr908Met; replaces threonine 908 with methionine.
Molecular consequence: missense variant.
Genome position (GRCh38, 1-based): chr1:16,129,536, G>A on the plus strand (C>T on the coding strand, the complement: EPHA2 is on the minus strand). VCF-style: chr1-16129536-G-A. GRCh37 (hg19) VCF-style: chr1-16456031-G-A.
Other names: c.2561C>T, p.Thr854Met (NM_001329090.2); short protein forms T854M, T908M.
Identifiers: ClinVar variation 4807967 (VCV004807967.1).
Genomic context (GRCh38, chr1:16,129,536, plus strand): 5'-GCCGCCATGAAGTGCTCCGTATACTGCTGCATCTTGATGGACTCCAGCCACTCGGACACC[G>A]TGCGGAAGGGCACCCCCTCCGAGCCGCTCGTGCTGGGGAGCCGGATAGACACGCTGCAAC-3'
Protein context (NP_004422.2, residues 898-918): TSGSEGVPFR[Thr908Met]VSEWLESIKM

ClinVar aggregate classification (germline): Uncertain significance (1 of 4 stars; one submission).

Conditions:
Cataract 6 multiple types. Also called: CATARACT 6, POSTERIOR POLAR; CATARACT 6, CONGENITAL TOTAL; CATARACT, AGE-RELATED CORTICAL, 2. Identifiers: Orphanet 91492, MedGen C1861825, MONDO:0007288, OMIM 116600.

gnomAD v4.1: 90 of 1,613,216 alleles (0.0056%); highest among the groups gnomAD compares: African/African-American, 0.016%; no homozygotes.

Submission:

Labcorp Genetics (formerly Invitae), Labcorp
Classification: Uncertain significance for Cataract 6 multiple types. Last evaluated: 2025-10-08. Review status: criteria provided, single submitter. Criteria: Invitae Variant Classification Sherloc (09022015). Collection method: clinical testing. Allele origin: germline.
Comment: This sequence change replaces threonine, which is neutral and polar, with methionine, which is neutral and non-polar, at codon 908 of the EPHA2 protein (p.Thr908Met). This variant is present in population databases (rs140958128, gnomAD 0.008%). This variant has not been reported in the literature in individuals affected with EPHA2-related conditions. Invitae Evidence Modeling of protein sequence and biophysical properties (such as structural, functional, and spatial information, amino acid conservation, physicochemical variation, residue mobility, and thermodynamic stability) indicates that this missense variant is expected to disrupt EPHA2 protein function with a positive predictive value of 80%. In summary, the available evidence is currently insufficient to determine the role of this variant in disease. Therefore, it has been classified as a Variant of Uncertain Significance.